The following is an entry in ClinVar:

NM_000044.6(AR):c.2465T>A (p.Leu822Gln)

Gene: AR (androgen receptor; plus strand). Cytogenetic location: Xq12.
Variant type: single nucleotide variant.
Coding change: c.2465T>A on transcript NM_000044.6 (MANE Select); coding-DNA position 2465, T replaced by A.
Protein change: p.Leu822Gln; replaces leucine 822 with glutamine.
Molecular consequence: missense variant.
Genome position (GRCh38, 1-based): chrX:67,722,842, T>A. VCF-style: chrX-67722842-T-A. GRCh37 (hg19) VCF-style: chrX-66942684-T-A.
Other names: c.869T>A, p.Leu290Gln (NM_001011645.3); c.2468T>A, p.Leu823Gln (NM_001424175.1); short protein forms L823Q, L822Q, L290Q.
Identifiers: ClinVar variation 2947640 (VCV002947640.3), dbSNP rs2147537732, ClinGen allele CA413427518.

ClinVar aggregate classification (germline): Uncertain significance (1 of 4 stars; one submission).

Conditions:
Kennedy disease (SMAX1). Also called: SPINAL AND BULBAR MUSCULAR ATROPHY, X-LINKED 1; KENNEDY SPINAL AND BULBAR MUSCULAR ATROPHY; Spinal and Bulbar Muscular Atrophy. Identifiers: Orphanet 481, MedGen C1839259, MONDO:0010735, OMIM 313200.
Androgen resistance syndrome (AIS). Also called: DHTR DEFICIENCY; DIHYDROTESTOSTERONE RECEPTOR DEFICIENCY; ANDROGEN RECEPTOR DEFICIENCY; TESTICULAR FEMINIZATION SYNDROME; Androgen insensitivity syndrome; Androgen insensitivity. Identifiers: Orphanet 754, Orphanet 99429, MedGen C0039585, MONDO:0019154, OMIM 300068. Disease mechanism: loss of function.

Submission:

Labcorp Genetics (formerly Invitae), Labcorp
Classification: Uncertain significance for Kennedy disease; Androgen resistance syndrome. Last evaluated: 2023-05-11. Review status: criteria provided, single submitter. Criteria: Invitae Variant Classification Sherloc (09022015). Collection method: clinical testing. Allele origin: germline.
Comment: In summary, the available evidence is currently insufficient to determine the role of this variant in disease. Therefore, it has been classified as a Variant of Uncertain Significance. Advanced modeling of protein sequence and biophysical properties (such as structural, functional, and spatial information, amino acid conservation, physicochemical variation, residue mobility, and thermodynamic stability) has been performed at Invitae for this missense variant, however the output from this modeling did not meet the statistical confidence thresholds required to predict the impact of this variant on AR protein function. This variant has not been reported in the literature in individuals affected with AR-related conditions. This variant is not present in population databases (gnomAD no frequency). This sequence change replaces leucine, which is neutral and non-polar, with glutamine, which is neutral and polar, at codon 822 of the AR protein (p.Leu822Gln).